The following is an entry in ClinVar:

ClinVar aggregate classification (germline): Uncertain significance (1 of 4 stars; one submission).

Conditions:
ALG1-congenital disorder of glycosylation. Also called: CDG Ik; CONGENITAL DISORDER OF GLYCOSYLATION, TYPE Ik; ALG1-CDG. Identifiers: Orphanet 79327, MedGen C2931005, MONDO:0012052, OMIM 608540.

Submission:

Labcorp Genetics (formerly Invitae), Labcorp
Classification: Uncertain significance for ALG1-congenital disorder of glycosylation. Last evaluated: 2025-01-06. Review status: criteria provided, single submitter. Criteria: Invitae Variant Classification Sherloc (09022015). Collection method: clinical testing. Allele origin: germline.
Comment: This variant, c.1287_1288delinsAA, is a complex sequence change that results in the deletion of 2 and insertion of 2 amino acid(s) in the ALG1 protein (p.Asp429_Pro430delinsGluThr). Information on the frequency of this variant in the gnomAD database is not available, as this variant may be reported differently in the database. This variant has not been reported in the literature in individuals affected with ALG1-related conditions. ClinVar contains an entry for this variant (Variation ID: 1424141). Experimental studies and prediction algorithms are not available or were not evaluated, and the functional significance of this variant is currently unknown. In summary, the available evidence is currently insufficient to determine the role of this variant in disease. Therefore, it has been classified as a Variant of Uncertain Significance.

NM_019109.5(ALG1):c.1287_1288delinsAA (p.Asp429_Pro430delinsGluThr)

Genes: EEF2KMT (eukaryotic elongation factor 2 lysine methyltransferase; minus strand), ALG1 (ALG1 chitobiosyldiphosphodolichol beta-mannosyltransferase; plus strand). Cytogenetic location: 16p13.3.
Variant type: Indel.
Coding change: c.1287_1288delinsAA on transcript NM_019109.5 (MANE Select); coding-DNA positions 1287 to 1288, TC replaced by AA.
Protein change: p.Asp429_Pro430delinsGluThr.
Molecular consequence: missense variant. On other transcripts: 3 prime UTR variant (3).
Genome position (GRCh38, 1-based): chr16:5,084,773-5,084,774, TC replaced by AA. VCF-style: chr16-5084773-TC-AA. GRCh37 (hg19) VCF-style: chr16-5134774-TC-AA.
Other names: c.*858_*859delinsTT (NM_001289029.2, NM_201400.4, NM_201598.4); c.954_955delinsAA, p.Asp318_Pro319delinsGluThr (NM_001330504.2).
Identifiers: ClinVar variation 1424141 (VCV001424141.6), dbSNP rs2142732373, ClinGen allele CA2573152078.